The following is an entry in ClinVar:

ClinVar aggregate classification (germline): Uncertain significance (1 of 4 stars; one submission).

Conditions:
Retinitis pigmentosa 1 (RP1). Identifiers: Orphanet 791, MedGen C0220701, MONDO:0008377, OMIM 180100.

Allele frequency attached by ClinVar (database versions not stated): gnomAD exomes below 0.00001; ExAC 0.00001; ESP Exome Variant Server 0.00008.
gnomAD v4.1: 1 of 1,613,408 alleles (0.000062%); highest among the groups gnomAD compares: African/African-American, 0.0013%; no homozygotes.

Submission:

MGZ Medical Genetics Center
Classification: Uncertain significance for Retinitis pigmentosa 1. Last evaluated: 2022-06-20. Review status: criteria provided, single submitter. Criteria: ACMG Guidelines, 2015. Collection method: clinical testing. Allele origin: germline. Affected: yes. Observed: 1 variant allele.
Comment: ACMG criteria applied: PM2_SUP, PP3

NM_006269.2(RP1):c.461G>A (p.Arg154Gln)

Gene: RP1 (RP1 axonemal microtubule associated; plus strand). Cytogenetic location: 8q12.1.
Variant type: single nucleotide variant.
Coding change: c.461G>A on transcript NM_006269.2 (MANE Select); coding-DNA position 461, G replaced by A.
Protein change: p.Arg154Gln; replaces arginine 154 with glutamine.
Molecular consequence: missense variant.
Genome position (GRCh38, 1-based): chr8:54,621,427, G>A. VCF-style: chr8-54621427-G-A. GRCh37 (hg19) VCF-style: chr8-55533987-G-A.
Other names: c.461G>A, p.Arg154Gln (NM_001375654.1); short protein forms R154Q.
Identifiers: ClinVar variation 1709178 (VCV001709178.2), dbSNP rs149197814, ClinGen allele CA4751172.
Genomic context (GRCh38, chr8:54,621,427, plus strand): 5'-GCGCGCACTCACCGCCCCACCCCGTAGCCGTCGCTGCTCCCGGCATGCCCCGCCCCCCAC[G>A]GAGCCTAGTGGTCTTCAGGAATGGCGACCCGAAGACGAGGCGTGCGGTTCTTCTGAGCAG-3'
Protein context (NP_006260.1, residues 144-164): VAAPGMPRPP[Arg154Gln]SLVVFRNGDP